The following is an entry in ClinVar:

NM_017780.4(CHD7):c.7282C>T (p.Arg2428Ter)

Gene: CHD7 (chromodomain helicase DNA binding protein 7; plus strand). Cytogenetic location: 8q12.2.
Variant type: single nucleotide variant.
Coding change: c.7282C>T on transcript NM_017780.4 (MANE Select); coding-DNA position 7282, C replaced by T.
Protein change: p.Arg2428Ter; replaces arginine 2428 with a stop codon.
Molecular consequence: nonsense. On other transcripts: intron variant (1).
Genome position (GRCh38, 1-based): chr8:60,856,562, C>T. VCF-style: chr8-60856562-C-T. GRCh37 (hg19) VCF-style: chr8-61769121-C-T.
Other names: c.1717-5667C>T (NM_001316690.1); short protein forms R2428*.
Identifiers: ClinVar variation 523619 (VCV000523619.23), dbSNP rs1320897198, ClinGen allele CA371300538.

ClinVar aggregate classification (germline): Pathogenic. Review status: criteria provided, multiple submitters, no conflicts (2 of 4 stars). 8 submissions from 8 submitters: Pathogenic (6). 2 of the submissions do not count toward it. Last evaluated 2026-01-14.

Conditions:
Inborn genetic diseases. Identifiers: MedGen C0950123, MeSH D030342.
CHARGE syndrome (CHARGE). Also called: Hittner Hirsch Kreh syndrome; Coloboma, heart anomaly, choanal atresia, retardation, genital and ear anomalies; CHARGE association; Hall-Hittner syndrome; CHARGE ASSOCIATION--COLOBOMA, HEART ANOMALY, CHOANAL ATRESIA, RETARDATION, GENITAL AND EAR ANOMALIES. Identifiers: Orphanet 138, MedGen C0265354, MONDO:0008965.

Submissions (8):

Ambry Genetics
Classification: Pathogenic for Inborn genetic diseases. Last evaluated: 2026-01-14. Review status: criteria provided, single submitter. Criteria: Ambry Variant Classification Scheme 2023. Collection method: clinical testing. Allele origin: germline.
Comment: The c.7282C>T (p.R2428*) alteration, located in exon 34 (coding exon 33) of the CHD7 gene, consists of a C to T substitution at nucleotide position 7282. This changes the amino acid from a arginine (R) to a stop codon at amino acid position 2428. This alteration is expected to result in loss of function by premature protein truncation or nonsense-mediated mRNA decay. This variant was not reported in population-based cohorts in the Genome Aggregation Database (gnomAD). This variant was reported in individual(s) with features consistent with CHARGE syndrome; in at least one individual, it was determined to be de novo (Bartels, 2010; Bilan, 2012 Hale, 2016; Acierno, 2020). Based on the available evidence, this alteration is classified as pathogenic.

Genesolutions, Medical Genetics Institutes, Ho Chi Minh City, Vietnam
Classification: Pathogenic for CHD7-related CHARGE syndrome. Last evaluated: 2025-09-24. Review status: criteria provided, single submitter. Criteria: ACMG Guidelines, 2015. Collection method: clinical testing. Allele origin: germline. Affected: yes.

Labcorp Genetics (formerly Invitae), Labcorp
Classification: Pathogenic for CHARGE syndrome. Last evaluated: 2021-12-18. Review status: criteria provided, single submitter. Criteria: Invitae Variant Classification Sherloc (09022015). Collection method: clinical testing. Allele origin: germline.
Comment: For these reasons, this variant has been classified as Pathogenic. ClinVar contains an entry for this variant (Variation ID: 523619). This premature translational stop signal has been observed in individual(s) with Kallman syndrome and CHARGE syndrome (PMID: 21158681, 26590800, 29419413). This variant is not present in population databases (gnomAD no frequency). This sequence change creates a premature translational stop signal (p.Arg2428*) in the CHD7 gene. It is expected to result in an absent or disrupted protein product. Loss-of-function variants in CHD7 are known to be pathogenic (PMID: 22461308, 25077900).

GeneDx
Classification: Pathogenic. Last evaluated: 2021-11-05. Review status: criteria provided, single submitter. Criteria: GeneDx Variant Classification Process June 2021. Collection method: clinical testing. Allele origin: germline. Affected: yes.
Comment: Reported in an individual with Kallman syndrome in published literature (Cassatella et al., 2018); Nonsense variant predicted to result in protein truncation or nonsense mediated decay in a gene for which loss-of-function is a known mechanism of disease; Not observed at significant frequency in large population cohorts (Lek et al., 2016); This variant is associated with the following publications: (PMID: 21158681, 26590800, 22033296, 22461308, 29419413, 32724172, 25525159)

Revvity Omics, Revvity
Classification: Pathogenic. Last evaluated: 2020-11-23. Review status: criteria provided, single submitter. Criteria: ACMG Guidelines, 2015. Collection method: clinical testing. Allele origin: germline.

Center of Genomic medicine, Geneva, University Hospital of Geneva
Classification: Pathogenic for CHARGE syndrome. Last evaluated: 2017-11-20. Review status: criteria provided, single submitter. Criteria: ACMG Guidelines, 2015. Collection method: clinical testing. Allele origin: de novo. Affected: yes.

Clinical Genetics DNA and cytogenetics Diagnostics Lab, Erasmus MC, Erasmus Medical Center
Classification: Pathogenic. Review status: no assertion criteria provided. Collection method: clinical testing. Allele origin: germline. Affected: yes. Study: VKGL Data-share Consensus. Not counted in ClinVar's aggregate classification.

Joint Genome Diagnostic Labs from Nijmegen and Maastricht, Radboudumc and MUMC+
Classification: Pathogenic. Review status: no assertion criteria provided. Collection method: clinical testing. Allele origin: germline. Affected: yes. Study: VKGL Data-share Consensus. Not counted in ClinVar's aggregate classification.

Literature cited by the submitters: PubMed 21158681 (cited by Ambry Genetics and Labcorp Genetics (formerly Invitae), Labcorp); PubMed 22033296 (cited by Ambry Genetics); PubMed 26590800 (cited by Ambry Genetics and Labcorp Genetics (formerly Invitae), Labcorp); PubMed 29419413 (cited by Ambry Genetics and Labcorp Genetics (formerly Invitae), Labcorp); PubMed 32724172 (cited by Ambry Genetics); PubMed 22461308 (cited by Labcorp Genetics (formerly Invitae), Labcorp); PubMed 25077900 (cited by Labcorp Genetics (formerly Invitae), Labcorp).